The following is an entry in ClinVar:

NM_007294.4(BRCA1):c.4192del (p.Asp1398fs)

Gene: BRCA1 (BRCA1 DNA repair associated; minus strand). Cytogenetic location: 17q21.31.
Variant type: Deletion.
Coding change: c.4192del on transcript NM_007294.4 (MANE Select); coding-DNA position 4192, one base deleted (G; older notation c.4192delG).
Protein change: p.Asp1398fs; shifts the reading frame from aspartic acid 1398.
Molecular consequence: frameshift variant.
Genome position (GRCh38, 1-based): chr17:43,082,569, C deleted on the plus strand (G on the coding strand, the reverse complement: BRCA1 is on the minus strand); the first of 3 consecutive C bases (chr17:43,082,569-43,082,571); deleting any one gives the same sequence. VCF-style (leftmost placement, unchanged base first): chr17-43082568-TC-T. GRCh37 (hg19) VCF-style: chr17-41234585-TC-T.
Other names: c.670del, p.Asp224fs (NM_001408490.1, NM_001408491.1, NM_001408492.1 and 3 more transcripts); c.643del, p.Asp215fs (NM_001408494.1); c.640del, p.Asp214fs (NM_001408495.1); c.619del, p.Asp207fs (NM_001408496.1, NM_001408497.1, NM_001408498.1 and 3 more transcripts); c.550del, p.Asp184fs (NM_001408502.1); c.616del, p.Asp206fs (NM_001408503.1, NM_001408504.1, NM_001408505.1); c.556del, p.Asp186fs (NM_001408506.1); c.553del, p.Asp185fs (NM_001408507.1); and 53 more; short protein forms D1102fs, D1229fs, D1270fs, D1271fs, D127fs, D1285fs, D1286fs, D1287fs.
Identifiers: ClinVar variation 2680233 (VCV002680233.2), dbSNP rs2551938740, ClinGen allele CA2695201340.
Genomic context (GRCh38, chr17:43,082,568, plus strand): 5'-AACACAGCTTCTAGTTCAGCCATTTCCTGCTGGAGCTTTATCAGGTTATGTTGCATGGTA[TC>T]CCTCTGCTTCAAAAACGATAAATGGCACCAAGAAAATGAAATACTTTGAGAAGCTTTCCA-3'

ClinVar aggregate classification (germline): Pathogenic/Likely pathogenic. Review status: criteria provided, multiple submitters, no conflicts (2 of 4 stars). 2 submissions from 2 submitters: Pathogenic (1); Likely pathogenic (1). Last evaluated 2024-02-14.

Conditions:
Hereditary cancer-predisposing syndrome. Also called: Hereditary Cancer Syndrome; Hereditary neoplastic syndrome; Neoplastic Syndromes, Hereditary; Tumor predisposition. Identifiers: Orphanet 140162, MedGen C0027672, MeSH D009386, MONDO:0015356.
Breast-ovarian cancer, familial, susceptibility to, 1 (BROVCA1). Also called: BRCA1 Hereditary Breast and Ovarian Cancer; OVARIAN CANCER, SUSCEPTIBILITY TO. Identifiers: Orphanet 145, MedGen C2676676, MONDO:0011450, OMIM 604370. Disease mechanism: loss of function.

Submissions (2):

Ambry Genetics
Classification: Pathogenic for Hereditary cancer-predisposing syndrome. Last evaluated: 2024-02-14. Review status: criteria provided, single submitter. Criteria: Ambry Variant Classification Scheme 2023. Collection method: clinical testing. Allele origin: germline.
Comment: The c.4192delG pathogenic mutation, located in coding exon 11 of the BRCA1 gene, results from a deletion of one nucleotide at nucleotide position 4192, causing a translational frameshift with a predicted alternate stop codon (p.D1398Ifs*7). This alteration is expected to result in loss of function by premature protein truncation or nonsense-mediated mRNA decay. As such, this alteration is interpreted as a disease-causing mutation.

Baylor Genetics
Classification: Likely pathogenic for Breast-ovarian cancer, familial, susceptibility to, 1. Last evaluated: 2021-10-02. Review status: criteria provided, single submitter. Criteria: ACMG Guidelines, 2015. Collection method: clinical testing. Allele origin: unknown.